The following is an entry in ClinVar:

NM_023014.1(PRAMEF2):c.382G>A (p.Ala128Thr)

Genes: PRAMEF2 (PRAME family member 2; plus strand), LOC126805622 (CDK7 strongly-dependent group 2 enhancer GRCh37_chr1:12919058-12920257; plus strand). Cytogenetic location: 1p36.21.
Variant type: single nucleotide variant.
Coding change: c.382G>A on transcript NM_023014.1 (MANE Select); coding-DNA position 382, G replaced by A.
Protein change: p.Ala128Thr; replaces alanine 128 with threonine.
Molecular consequence: missense variant.
Genome position (GRCh38, 1-based): chr1:12,859,787, G>A. VCF-style: chr1-12859787-G-A. GRCh37 (hg19) VCF-style: chr1-12919642-G-A.
Other names: short protein forms A128T.
Identifiers: ClinVar variation 3025217 (VCV003025217.22), dbSNP rs142476002, ClinGen allele CA608008.

ClinVar aggregate classification (germline): Likely benign (1 of 4 stars; one submission).

Allele frequency attached by ClinVar (database versions not stated): gnomAD 0.00016; gnomAD exomes 0.00020; 1000 Genomes Project 30x 0.00094; ExAC 0.00277; 1000 Genomes Project 0.00978.
gnomAD v4.1: 322 of 1,606,802 alleles (0.02%); highest among the groups gnomAD compares: South Asian, 0.28%; 14 homozygotes.

Submission:

CeGaT Center for Human Genetics Tuebingen
Classification: Likely benign. Last evaluated: 2025-10-01. Review status: criteria provided, single submitter. Criteria: CeGaT Center For Human Genetics Tuebingen Variant Classification Criteria Version 2. Collection method: clinical testing. Allele origin: germline. Affected: yes. Observed: 2 variant alleles.
Comment: PRAMEF2: BP4, BS2